The following is an entry in ClinVar:

NM_182978.4(GNAL):c.722+1G>A

Gene: GNAL (G protein subunit alpha L; plus strand). Cytogenetic location: 18p11.21.
Variant type: single nucleotide variant.
Coding change: c.722+1G>A on transcript NM_182978.4 (MANE Select); the canonical splice donor site of the intron after coding-DNA position 722, G replaced by A.
Molecular consequence: splice donor variant.
Genome position (GRCh38, 1-based): chr18:11,825,016, G>A. VCF-style: chr18-11825016-G-A. GRCh37 (hg19) VCF-style: chr18-11825015-G-A.
Other names: c.491+1G>A (NM_001261443.2, NM_001142339.3, NM_001369387.1).
Identifiers: ClinVar variation 3614608 (VCV003614608.2).

ClinVar aggregate classification (germline): Likely pathogenic (1 of 4 stars; one submission).

Conditions:
Dystonic disorder. Also called: Dystonia. Identifiers: MedGen C0013421, MONDO:0003441, HP:0001332.

Submission:

Labcorp Genetics (formerly Invitae), Labcorp
Classification: Likely pathogenic for Dystonic disorder. Last evaluated: 2024-11-12. Review status: criteria provided, single submitter. Criteria: Invitae Variant Classification Sherloc (09022015). Collection method: clinical testing. Allele origin: germline.
Comment: This sequence change affects a donor splice site in intron 6 of the GNAL gene. It is expected to disrupt RNA splicing. Variants that disrupt the donor or acceptor splice site typically lead to a loss of protein function (PMID: 16199547), and loss-of-function variants in GNAL are known to be pathogenic (PMID: 23222958, 27123488). This variant is not present in population databases (gnomAD no frequency). This variant has not been reported in the literature in individuals affected with GNAL-related conditions. Algorithms developed to predict the effect of sequence changes on RNA splicing suggest that this variant may disrupt the consensus splice site. In summary, the currently available evidence indicates that the variant is pathogenic, but additional data are needed to prove that conclusively. Therefore, this variant has been classified as Likely Pathogenic.

Literature cited by the submitters: PubMed 16199547; PubMed 23222958; PubMed 27123488.